The following is an entry in ClinVar:

NM_004655.4(AXIN2):c.492G>A (p.Gln164=)

Gene: AXIN2 (axin 2; minus strand). Cytogenetic location: 17q24.1.
Variant type: single nucleotide variant.
Coding change: c.492G>A on transcript NM_004655.4 (MANE Select); coding-DNA position 492, G replaced by A.
Protein change: p.Gln164=; no amino-acid change (glutamine 164 retained).
Molecular consequence: synonymous variant.
Genome position (GRCh38, 1-based): chr17:65,558,129, C>T on the plus strand (G>A on the coding strand, the complement: AXIN2 is on the minus strand). VCF-style: chr17-65558129-C-T. GRCh37 (hg19) VCF-style: chr17-63554247-C-T.
Other names: c.492G>A, p.Gln164= (NM_001363813.1).
Identifiers: ClinVar variation 2160992 (VCV002160992.5), dbSNP rs2544250220, ClinGen allele CA501691681.

ClinVar aggregate classification (germline): Benign/Likely benign. Review status: criteria provided, multiple submitters, no conflicts (2 of 4 stars). 2 submissions from 2 submitters: Benign (1); Likely benign (1). Last evaluated 2024-06-26.

Conditions:
Oligodontia-cancer predisposition syndrome. Also called: TOOTH AGENESIS-COLORECTAL CANCER SYNDROME. Identifiers: Orphanet 300576, MedGen C1837750, MONDO:0012075, OMIM 608615. Disease mechanism: loss of function.

Submissions (2):

Myriad Genetics, Inc.
Classification: Benign for Oligodontia-cancer predisposition syndrome. Last evaluated: 2024-06-26. Review status: criteria provided, single submitter. Criteria: Myriad Autosomal Dominant, Autosomal Recessive and X-Linked Classification Criteria (2023). Collection method: clinical testing. Allele origin: unknown.
Comment: This variant is considered benign. This variant is a silent/synonymous amino acid change and it is not expected to impact splicing.

Labcorp Genetics (formerly Invitae), Labcorp
Classification: Likely benign for Oligodontia-cancer predisposition syndrome. Last evaluated: 2022-03-26. Review status: criteria provided, single submitter. Criteria: Invitae Variant Classification Sherloc (09022015). Collection method: clinical testing. Allele origin: germline.